The following is an entry in ClinVar:

ClinVar aggregate classification (germline): Likely benign. Review status: criteria provided, multiple submitters, no conflicts (2 of 4 stars). 3 submissions from 3 submitters: Likely benign (3). Last evaluated 2026-01-19.

Conditions:
Joubert syndrome. Also called: Familial aplasia of the vermis; JOUBERT-BOLTSHAUSER SYNDROME. Identifiers: Orphanet 475, MedGen C5979921, MONDO:0018772.
AHI1-related disorder. Also called: AHI1-related condition.

Allele frequency attached by ClinVar (database versions not stated): TOPMed 0.00022; ExAC 0.00026; 1000 Genomes Project 0.00060; 1000 Genomes Project 30x 0.00094.
gnomAD v4.1: 85 of 1,613,768 alleles (0.0053%); highest among the groups gnomAD compares: East Asian, 0.18%; 1 homozygote.

Submissions (3):

Labcorp Genetics (formerly Invitae), Labcorp
Classification: Likely benign for Joubert syndrome. Last evaluated: 2026-01-19. Review status: criteria provided, single submitter. Criteria: Invitae Variant Classification Sherloc (09022015). Collection method: clinical testing. Allele origin: germline.

PreventionGenetics, part of Exact Sciences
Classification: Likely benign for AHI1-related condition. Last evaluated: 2024-10-10. Review status: criteria provided, single submitter. Criteria: ACMG Guidelines, 2015. Collection method: clinical testing. Allele origin: germline.
Comment: This variant is classified as likely benign based on ACMG/AMP sequence variant interpretation guidelines (Richards et al. 2015 PMID: 25741868, with internal and published modifications).

Blueprint Genetics
Classification: Likely benign. Last evaluated: 2024-09-27. Review status: criteria provided, single submitter. Criteria: ACMG Guidelines, 2015. Collection method: clinical testing. Allele origin: germline.

NM_001134831.2(AHI1):c.428C>G (p.Pro143Arg)

Gene: AHI1 (Abelson helper integration site 1; minus strand). Cytogenetic location: 6q23.3.
Variant type: single nucleotide variant.
Coding change: c.428C>G on transcript NM_001134831.2 (MANE Select); coding-DNA position 428, C replaced by G.
Protein change: p.Pro143Arg; replaces proline 143 with arginine.
Molecular consequence: missense variant.
Genome position (GRCh38, 1-based): chr6:135,466,135, G>C on the plus strand (C>G on the coding strand, the complement: AHI1 is on the minus strand). VCF-style: chr6-135466135-G-C. GRCh37 (hg19) VCF-style: chr6-135787273-G-C.
Other names: c.428C>G, p.Pro143Arg (NM_001134830.2, NM_001134832.2, NM_001350503.2 and 2 more transcripts); short protein forms P143R.
Identifiers: ClinVar variation 697195 (VCV000697195.13), dbSNP rs192524061, ClinGen allele CA4012832.